The following is an entry in ClinVar:

ClinVar aggregate classification (germline): Pathogenic (1 of 4 stars; one submission).

Conditions:
Neurofibromatosis, type 1 (NF1). Also called: VON RECKLINGHAUSEN DISEASE; Peripheral type neurofibromatosis; NEUROFIBROMATOSIS, TYPE I, SOMATIC; Neurofibromatosis, type I. Identifiers: Orphanet 636, MedGen C0027831, MONDO:0018975, OMIM 162200. Disease mechanism: loss of function.

Submission:

Labcorp Genetics (formerly Invitae), Labcorp
Classification: Pathogenic for Neurofibromatosis, type 1. Last evaluated: 2016-11-08. Review status: criteria provided, single submitter. Criteria: Invitae Variant Classification Sherloc (09022015). Collection method: clinical testing. Allele origin: germline.
Comment: For these reasons, this variant has been classified as Pathogenic. While this particular variant has not been reported in the literature, loss-of-function variants in NF1 are known to be pathogenic (PMID: 10712197, 23913538). This sequence change inserts 568 nucleotides in exon 2 of the NF1 mRNA (c.129_130ins568), causing a frameshift at codon 44. This creates a premature translational stop signal (p.Ile44Glyfs*27) and is expected to result in an absent or disrupted protein product.

Literature cited by the submitters: PubMed 10712197; PubMed 23913538.

NM_001042492.3(NF1):c.129_130insGGGAATACATTATTATGTAAACTTAATTTTAAAAGACAGGAGAAAATCTGTTTTCTGCTGACCAAAGAAGTGACTTATTGATACAAAAGGAACACTAAAGTACAAAAATACCCACTGTCAATAATATGATACAGAGTTAGCAAACCATATACATGATCTCCATGTGGTTATGAATGTAATAGTTGTAAGTGGGTGAGTATTAATACACATTATTTTACGGTTGCAAGTTCACTAGGATCAATTAATCTAATGCAATGGTCAACAATATGACTTCATATGTTAATTGCCTGGGTTTACTATGGGATGATACTGCCAGAAAAGGCTTATGAGACAAGAAAATTACTTCGTGGGATAGCATTTGGTAACTTCCACTGAGAAGTAGAAATTATCTGATTTGTTAGCAAAGAAGGCTAGTGACAACGTACCTCCTGTCGGGCTGGTGCTGCATGTGGCCAGTCTCCTCTGGACAATCCTGTAACATGGGCTGGAGTTCTTCCTGTGGGGAGGGAGTCAGAGTGGCAGTGGACTGATGGCTATAGGACACGGCAGCTGGAGAAGAAGCTGTCTA (p.Ile44delinsGlyAsnThrLeuLeuCysLysLeuAsnPheLysArgGlnGluLysIleCysPheLeuLeuThrLysGluValThrTyrTer)

Gene: NF1 (neurofibromin 1; plus strand). Cytogenetic location: 17q11.2.
Variant type: Insertion.
Coding change: c.129_130insGGGAATACATTATTATGTAAACTTAATTTTAAAAGACAGGAGAAAATCTGTTTTCTGCTGACCAAAGAAGTGACTTATTGATACAAAAGGAACACTAAAGTACAAAAATACCCACTGTCAATAATATGATACAGAGTTAGCAAACCATATACATGATCTCCATGTGGTTATGAATGTAATAGTTGTAAGTGGGTGAGTATTAATACACATTATTTTACGGTTGCAAGTTCACTAGGATCAATTAATCTAATGCAATGGTCAACAATATGACTTCATATGTTAATTGCCTGGGTTTACTATGGGATGATACTGCCAGAAAAGGCTTATGAGACAAGAAAATTACTTCGTGGGATAGCATTTGGTAACTTCCACTGAGAAGTAGAAATTATCTGATTTGTTAGCAAAGAAGGCTAGTGACAACGTACCTCCTGTCGGGCTGGTGCTGCATGTGGCCAGTCTCCTCTGGACAATCCTGTAACATGGGCTGGAGTTCTTCCTGTGGGGAGGGAGTCAGAGTGGCAGTGGACTGATGGCTATAGGACACGGCAGCTGGAGAAGAAGCTGTCTA on transcript NM_001042492.3 (MANE Select); coding-DNA positions 129 to 130, GGGAATACATTATTATGTAAACTTAATTTTAAAAGACAGGAGAAAATCTGTTTTCTGCTGACCAAAGAAGTGACTTATTGATACAAAAGGAACACTAAAGTACAAAAATACCCACTGTCAATAATATGATACAGAGTTAGCAAACCATATACATGATCTCCATGTGGTTATGAATGTAATAGTTGTAAGTGGGTGAGTATTAATACACATTATTTTACGGTTGCAAGTTCACTAGGATCAATTAATCTAATGCAATGGTCAACAATATGACTTCATATGTTAATTGCCTGGGTTTACTATGGGATGATACTGCCAGAAAAGGCTTATGAGACAAGAAAATTACTTCGTGGGATAGCATTTGGTAACTTCCACTGAGAAGTAGAAATTATCTGATTTGTTAGCAAAGAAGGCTAGTGACAACGTACCTCCTGTCGGGCTGGTGCTGCATGTGGCCAGTCTCCTCTGGACAATCCTGTAACATGGGCTGGAGTTCTTCCTGTGGGGAGGGAGTCAGAGTGGCAGTGGACTGATGGCTATAGGACACGGCAGCTGGAGAAGAAGCTGTCTA inserted.
Protein change: p.Ile44delinsGlyAsnThrLeuLeuCysLysLeuAsnPheLysArgGlnGluLysIleCysPheLeuLeuThrLysGluValThrTyrTer.
Molecular consequence: nonsense. On other transcripts: frameshift variant (1).
Genome position: GRCh38: chr17:31,156,051-31,156,052. GRCh37 (hg19): chr17:29,483,069-29,483,070.
Other names: c.129_130insGGGAATACATTATTATGTAAACTTAATTTTAAAAGACAGGAGAAAATCTGTTTTCTGCTGACCAAAGAAGTGACTTATTGATACAAAAGGAACACTAAAGTACAAAAATACCCACTGTCAATAATATGATACAGAGTTAGCAAACCATATACATGATCTCCATGTGGTTATGAATGTAATAGTTGTAAGTGGGTGAGTATTAATACACATTATTTTACGGTTGCAAGTTCACTAGGATCAATTAATCTAATGCAATGGTCAACAATATGACTTCATATGTTAATTGCCTGGGTTTACTATGGGATGATACTGCCAGAAAAGGCTTATGAGACAAGAAAATTACTTCGTGGGATAGCATTTGGTAACTTCCACTGAGAAGTAGAAATTATCTGATTTGTTAGCAAAGAAGGCTAGTGACAACGTACCTCCTGTCGGGCTGGTGCTGCATGTGGCCAGTCTCCTCTGGACAATCCTGTAACATGGGCTGGAGTTCTTCCTGTGGGGAGGGAGTCAGAGTGGCAGTGGACTGATGGCTATAGGACACGGCAGCTGGAGAAGAAGCTGTCTA, p.Ile44Glyfs (NM_000267.4); c.129_130insGGGAATACATTATTATGTAAACTTAATTTTAAAAGACAGGAGAAAATCTGTTTTCTGCTGACCAAAGAAGTGACTTATTGATACAAAAGGAACACTAAAGTACAAAAATACCCACTGTCAATAATATGATACAGAGTTAGCAAACCATATACATGATCTCCATGTGGTTATGAATGTAATAGTTGTAAGTGGGTGAGTATTAATACACATTATTTTACGGTTGCAAGTTCACTAGGATCAATTAATCTAATGCAATGGTCAACAATATGACTTCATATGTTAATTGCCTGGGTTTACTATGGGATGATACTGCCAGAAAAGGCTTATGAGACAAGAAAATTACTTCGTGGGATAGCATTTGGTAACTTCCACTGAGAAGTAGAAATTATCTGATTTGTTAGCAAAGAAGGCTAGTGACAACGTACCTCCTGTCGGGCTGGTGCTGCATGTGGCCAGTCTCCTCTGGACAATCCTGTAACATGGGCTGGAGTTCTTCCTGTGGGGAGGGAGTCAGAGTGGCAGTGGACTGATGGCTATAGGACACGGCAGCTGGAGAAGAAGCTGTCTA, p.Ile44delinsGlyAsnThrLeuLeuCysLysLeuAsnPheLysArgGlnGluLysIleCysPheLeuLeuThrLysGluValThrTyrTer (NM_001128147.3).
Identifiers: ClinVar variation 1074815 (VCV001074815.5), dbSNP rs2143626219, ClinGen allele CA2499223969.